The following is an entry in ClinVar:

NM_000093.5(COL5A1):c.2512G>A (p.Gly838Arg)

Gene: COL5A1 (collagen type V alpha 1 chain; plus strand). Cytogenetic location: 9q34.3.
Variant type: single nucleotide variant.
Coding change: c.2512G>A on transcript NM_000093.5 (MANE Select); coding-DNA position 2512, G replaced by A.
Protein change: p.Gly838Arg; replaces glycine 838 with arginine.
Molecular consequence: missense variant.
Genome position (GRCh38, 1-based): chr9:134,785,016, G>A. VCF-style: chr9-134785016-G-A. GRCh37 (hg19) VCF-style: chr9-137676862-G-A.
Other names: c.2512G>A, p.Gly838Arg (NM_001278074.1); short protein forms G838R.
Identifiers: ClinVar variation 2502351 (VCV002502351.1), dbSNP rs2490724038, ClinGen allele CA375454353.

ClinVar aggregate classification (germline): Likely pathogenic (1 of 4 stars; one submission).

Conditions:
Ehlers-Danlos syndrome, classic type, 1 (EDSCL1). Also called: EDS I; EHLERS-DANLOS SYNDROME, GRAVIS TYPE; EHLERS-DANLOS SYNDROME, SEVERE CLASSIC TYPE; Ehlers-Danlos syndrome, type 1; Ehlers-Danlos Syndrome, Classic Type, COL5A1-Related. Identifiers: MedGen C0268335, MONDO:0019567, OMIM 130000.

Submission:

Institute of Human Genetics, University of Leipzig Medical Center
Classification: Likely pathogenic for Ehlers-Danlos syndrome, classic type, 1. Last evaluated: 2023-04-17. Review status: criteria provided, single submitter. Criteria: ACMG Guidelines, 2015. Collection method: clinical testing. Allele origin: unknown. Affected: yes.
Comment: _x000D_ Criteria applied: PM1_STR, PM2_SUP, PP3